The following is an entry in ClinVar:

NM_022124.6(CDH23):c.4226T>C (p.Leu1409Pro)

Gene: CDH23 (cadherin related 23; plus strand). Cytogenetic location: 10q22.1.
Variant type: single nucleotide variant.
Coding change: c.4226T>C on transcript NM_022124.6 (MANE Select); coding-DNA position 4226, T replaced by C.
Protein change: p.Leu1409Pro; replaces leucine 1409 with proline.
Molecular consequence: missense variant.
Genome position (GRCh38, 1-based): chr10:71,738,514, T>C. VCF-style: chr10-71738514-T-C. GRCh37 (hg19) VCF-style: chr10-73498271-T-C.
Other names: short protein forms L1409P.
Identifiers: ClinVar variation 2043050 (VCV002043050.4), dbSNP rs2494209505, ClinGen allele CA377159032.

ClinVar aggregate classification (germline): Uncertain significance (1 of 4 stars; one submission).

Allele frequency attached by ClinVar (database versions not stated): gnomAD exomes below 0.00001.
gnomAD v4.1: 2 of 1,613,988 alleles (0.00012%); highest among the groups gnomAD compares: Non-Finnish European, 0.00017%; no homozygotes.

Submission:

Labcorp Genetics (formerly Invitae), Labcorp
Classification: Uncertain significance. Last evaluated: 2021-12-29. Review status: criteria provided, single submitter. Criteria: Invitae Variant Classification Sherloc (09022015). Collection method: clinical testing. Allele origin: germline.
Comment: This sequence change replaces leucine, which is neutral and non-polar, with proline, which is neutral and non-polar, at codon 1409 of the CDH23 protein (p.Leu1409Pro). This variant is not present in population databases (gnomAD no frequency). This variant has not been reported in the literature in individuals affected with CDH23-related conditions. Algorithms developed to predict the effect of missense changes on protein structure and function are either unavailable or do not agree on the potential impact of this missense change (SIFT: "Deleterious"; PolyPhen-2: "Not Available"; Align-GVGD: "Class C65"). In summary, the available evidence is currently insufficient to determine the role of this variant in disease. Therefore, it has been classified as a Variant of Uncertain Significance.